The following is an entry in ClinVar:

ClinVar aggregate classification (germline): Uncertain significance (1 of 4 stars; one submission).

Conditions:
Hereditary spastic paraplegia 39 (SPG39). Also called: Spastic Paraplegia Type 39 (SPG39); SPASTIC PARAPLEGIA 39, AUTOSOMAL RECESSIVE. Identifiers: Orphanet 139480, MedGen C2677586, MONDO:0012787, OMIM 612020.

Submission:

Labcorp Genetics (formerly Invitae), Labcorp
Classification: Uncertain significance for Hereditary spastic paraplegia 39. Last evaluated: 2020-03-03. Review status: criteria provided, single submitter. Criteria: Invitae Variant Classification Sherloc (09022015). Collection method: clinical testing. Allele origin: germline.
Comment: This sequence change replaces threonine with isoleucine at codon 77 of the PNPLA6 protein (p.Thr77Ile). The threonine residue is weakly conserved and there is a moderate physicochemical difference between threonine and isoleucine. In summary, the available evidence is currently insufficient to determine the role of this variant in disease. Therefore, it has been classified as a Variant of Uncertain Significance. Algorithms developed to predict the effect of missense changes on protein structure and function are either unavailable or do not agree on the potential impact of this missense change (SIFT: "Tolerated"; PolyPhen-2: "Benign"; Align-GVGD: "Class C0"). This variant has not been reported in the literature in individuals with PNPLA6-related conditions. This variant is not present in population databases (ExAC no frequency).

NM_001166114.2(PNPLA6):c.347C>T (p.Thr116Ile)

Gene: PNPLA6 (patatin like domain 6, lysophospholipase; plus strand). Cytogenetic location: 19p13.2.
Variant type: single nucleotide variant.
Coding change: c.347C>T on transcript NM_001166114.2 (MANE Select); coding-DNA position 347, C replaced by T.
Protein change: p.Thr116Ile; replaces threonine 116 with isoleucine.
Molecular consequence: missense variant.
Genome position (GRCh38, 1-based): chr19:7,536,480, C>T. VCF-style: chr19-7536480-C-T. GRCh37 (hg19) VCF-style: chr19-7601366-C-T.
Other names: c.374C>T, p.Thr125Ile (NM_001166111.2); c.230C>T, p.Thr77Ile (NM_001166112.2, NM_001166113.1, NM_006702.5); short protein forms T116I, T125I, T77I.
Identifiers: ClinVar variation 1004981 (VCV001004981.8), dbSNP rs769226316, ClinGen allele CA403098733.